The following is an entry in ClinVar:

NM_020366.4(RPGRIP1):c.840G>C (p.Lys280Asn)

Gene: RPGRIP1 (RPGR interacting protein 1; plus strand). Cytogenetic location: 14q11.2.
Variant type: single nucleotide variant.
Coding change: c.840G>C on transcript NM_020366.4 (MANE Select); coding-DNA position 840, G replaced by C.
Protein change: p.Lys280Asn; replaces lysine 280 with asparagine.
Molecular consequence: missense variant.
Genome position (GRCh38, 1-based): chr14:21,307,770, G>C. VCF-style: chr14-21307770-G-C. GRCh37 (hg19) VCF-style: chr14-21775929-G-C.
Other names: short protein forms K280N.
Identifiers: ClinVar variation 1805516 (VCV001805516.2), dbSNP rs1208451312, ClinGen allele CA388861527.

ClinVar aggregate classification (germline): Uncertain significance. Review status: criteria provided, multiple submitters, no conflicts (2 of 4 stars). 2 submissions from 2 submitters: Uncertain significance (2). Last evaluated 2024-05-30.

Conditions:
Cone-rod dystrophy 13 (CORD13). Identifiers: Orphanet 1872, MedGen C2750720, MONDO:0011987, OMIM 608194.

gnomAD v4.1: 2 of 1,569,620 alleles (0.00013%); highest among the groups gnomAD compares: Non-Finnish European, 0.00017%; no homozygotes.

Submissions (2):

Blueprint Genetics
Classification: Uncertain significance. Last evaluated: 2024-05-30. Review status: criteria provided, single submitter. Criteria: ACMG Guidelines, 2015. Collection method: clinical testing. Allele origin: germline.

Victorian Clinical Genetics Services, Murdoch Childrens Research Institute
Classification: Uncertain significance for Cone-rod dystrophy 13. Last evaluated: 2019-08-28. Review status: criteria provided, single submitter. Criteria: ACMG Guidelines, 2015. Collection method: clinical testing. Allele origin: germline. Inheritance: Autosomal recessive inheritance. Affected: yes.
Comment: A heterozygous missense variant was identified, NM_020366.3(RPGRIP1):c.840G>C in exon 6 of 24 of the RPGRIP1 gene. This substitution is predicted to create a moderate amino acid change from lysine to asparagine at position 280 of the protein, NP_065099.3(RPGRIP1):p.(Lys280Asn). The lysine at this position has low conservation (100 vertebrates, UCSC), and is located within the SMC_prok_B domain. In silico software predictions of the pathogenicity of this variant are conflicting (Polyphen, SIFT, CADD, Mutation Taster). The variant is present in the gnomAD population database at a frequency of 0.0005% (1 heterozygote, 0 homozygotes). An alternative residue change at the same location to a glutamic acid has been reported in the gnomAD database at a frequency of 0.001% (3 heterozygotes, 0 homozygotes). The variant has not been previously reported in clinical cases. Based on information available at the time of curation, this variant has been classified as a VARIANT of UNCERTAIN SIGNIFICANCE (VUS).